The following is an entry in ClinVar:

NM_023077.3(COA7):c.590G>A (p.Gly197Glu)

Gene: COA7 (cytochrome c oxidase assembly factor 7; minus strand). Cytogenetic location: 1p32.3.
Variant type: single nucleotide variant.
Coding change: c.590G>A on transcript NM_023077.3 (MANE Select); coding-DNA position 590, G replaced by A.
Protein change: p.Gly197Glu; replaces glycine 197 with glutamic acid.
Molecular consequence: missense variant.
Genome position (GRCh38, 1-based): chr1:52,687,826, C>T on the plus strand (G>A on the coding strand, the complement: COA7 is on the minus strand). VCF-style: chr1-52687826-C-T. GRCh37 (hg19) VCF-style: chr1-53153498-C-T.
Other names: short protein forms G197E.
Identifiers: ClinVar variation 4847916 (VCV004847916.1).

ClinVar aggregate classification (germline): Uncertain significance (1 of 4 stars; one submission).

gnomAD v4.1: 6 of 1,614,138 alleles (0.00037%); highest among the groups gnomAD compares: East Asian, 0.0022%; no homozygotes.

Submission:

Women's Health and Genetics/Laboratory Corporation of America, LabCorp
Classification: Uncertain significance. Last evaluated: 2026-02-25. Review status: criteria provided, single submitter. Criteria: LabCorp Variant Classification Summary - May 2015. Collection method: clinical testing. Allele origin: germline.
Comment: Variant summary: COA7 c.590G>A (p.Gly197Glu) results in a non-conservative amino acid change in the encoded protein sequence. Algorithms developed to predict the effect of missense changes on protein structure and function all suggest that this variant is likely to be disruptive. The variant allele was found at a frequency of 4e-06 in 251474 control chromosomes. The available data on variant occurrences in the general population are insufficient to allow any conclusion about variant significance. To our knowledge, no occurrence of c.590G>A in individuals affected with COA7-related conditions and no experimental evidence demonstrating its impact on protein function have been reported. No submitters have cited clinical-significance assessments for this variant to ClinVar. Based on the evidence outlined above, the variant was classified as uncertain significance.